The following is an entry in ClinVar:

NM_001165963.4(SCN1A):c.559C>T (p.Arg187Trp)

Gene: SCN1A (sodium voltage-gated channel alpha subunit 1; minus strand). Cytogenetic location: 2q24.3.
Variant type: single nucleotide variant.
Coding change: c.559C>T on transcript NM_001165963.4 (MANE Select); coding-DNA position 559, C replaced by T.
Protein change: p.Arg187Trp; replaces arginine 187 with tryptophan.
Molecular consequence: missense variant. On other transcripts: 5 prime UTR variant (1), non-coding transcript variant (1).
Genome position (GRCh38, 1-based): chr2:166,054,681, G>A on the plus strand (C>T on the coding strand, the complement: SCN1A is on the minus strand). VCF-style: chr2-166054681-G-A. GRCh37 (hg19) VCF-style: chr2-166911191-G-A.
Other names: c.559C>T, p.Arg187Trp (NM_001165964.3, NM_001202435.3, NM_001353948.2 and 10 more transcripts); c.-1867C>T (NM_001353961.2); short protein forms R187W.
Identifiers: ClinVar variation 453000 (VCV000453000.47), dbSNP rs1419611654, ClinGen allele CA349075415.

ClinVar aggregate classification (germline): Uncertain significance. Review status: criteria provided, multiple submitters, no conflicts (2 of 4 stars). 4 submissions from 4 submitters: Uncertain significance (4). Last evaluated 2025-06-29.

Conditions:
Early-infantile DEE. Also called: Early infantile epileptic encephalopathy; Ohtahara syndrome; Early infantile epileptic encephalopathy with suppression bursts. Identifiers: Orphanet 1934, MedGen C0393706, MONDO:0800491.

Allele frequency attached by ClinVar (database versions not stated): gnomAD exomes below 0.00001; gnomAD 0.00001; TOPMed 0.00001.
gnomAD v4.1: 7 of 1,612,160 alleles (0.00043%); highest among the groups gnomAD compares: South Asian, 0.0011%; no homozygotes.

Submissions (4):

Labcorp Genetics (formerly Invitae), Labcorp
Classification: Uncertain significance for Early-infantile DEE. Last evaluated: 2025-06-29. Review status: criteria provided, single submitter. Criteria: Invitae Variant Classification Sherloc (09022015). Collection method: clinical testing. Allele origin: germline.
Comment: This sequence change replaces arginine, which is basic and polar, with tryptophan, which is neutral and slightly polar, at codon 187 of the SCN1A protein (p.Arg187Trp). The frequency data for this variant in the population databases is considered unreliable, as metrics indicate poor data quality at this position in the gnomAD database. This missense change has been observed in individual(s) with clinical features of SCN1A-related conditions (PMID: 35944423; internal data). ClinVar contains an entry for this variant (Variation ID: 453000). Invitae Evidence Modeling of protein sequence and biophysical properties (such as structural, functional, and spatial information, amino acid conservation, physicochemical variation, residue mobility, and thermodynamic stability) indicates that this missense variant is expected to disrupt SCN1A protein function with a positive predictive value of 95%. Algorithms developed to predict the effect of sequence changes on RNA splicing suggest that this variant may disrupt the consensus splice site. This variant disrupts the p.Arg187 amino acid residue in SCN1A. Other variant(s) that disrupt this residue have been determined to be pathogenic (PMID: 31677916, 35074891). This suggests that this residue is clinically significant, and that variants that disrupt this residue are likely to be disease-causing. In summary, the available evidence is currently insufficient to determine the role of this variant in disease. Therefore, it has been classified as a Variant of Uncertain Significance.

Blueprint Genetics
Classification: Uncertain significance. Last evaluated: 2022-03-29. Review status: criteria provided, single submitter. Criteria: ACMG Guidelines, 2015. Collection method: clinical testing. Allele origin: germline.

CeGaT Center for Human Genetics Tuebingen
Classification: Uncertain significance. Last evaluated: 2021-12-01. Review status: criteria provided, single submitter. Criteria: CeGaT Center For Human Genetics Tuebingen Variant Classification Criteria Version 2. Collection method: clinical testing. Allele origin: germline. Affected: yes. Observed: 1 variant allele.

GeneDx
Classification: Uncertain significance. Last evaluated: 2017-10-27. Review status: criteria provided, single submitter. Criteria: GeneDx Variant Classification (06012015). Collection method: clinical testing. Allele origin: germline. Affected: yes.
Comment: A variant of uncertain significance has been identified in the SCN1A gene. The R187W variant has not been published as a pathogenic variant, nor has it been reported as a benign variant to ourknowledge. The R187W variant is not observed in large population cohorts (Lek et al., 2016). TheR187W variant is a non-conservative amino acid substitution, which is likely to impact secondary protein structure as these residues differ in polarity, charge, size and/or other properties. This substitution occurs at a conserved position predicted to be within the intracellular loop between the S2 and S3 transmembrane segments of the first homologous domain. In silico analysis predicts this variant is probably damaging to the protein structure/function. Additionally, a missense variant in a nearby residue (D188V) has been reported in the Human Gene Mutation Database in association with SCN1A-related disorders (Stenson et al., 2014). Based on the currently available information, it is unclear whether this variant is a pathogenic variant or a rare benign variant.

Literature cited by the submitters: PubMed 35944423 (cited by Labcorp Genetics (formerly Invitae), Labcorp); PubMed 31677916 (cited by Labcorp Genetics (formerly Invitae), Labcorp); PubMed 35074891 (cited by Labcorp Genetics (formerly Invitae), Labcorp).